The following is an entry in ClinVar:

ClinVar aggregate classification (germline): Uncertain significance (1 of 4 stars; one submission).

gnomAD v4.1: 1 of 1,613,890 alleles (0.000062%); highest among the groups gnomAD compares: Non-Finnish European, 0.000085%; no homozygotes.

Submission:

GeneDx
Classification: Uncertain significance. Last evaluated: 2024-05-12. Review status: criteria provided, single submitter. Criteria: GeneDx Variant Classification Process June 2021. Collection method: clinical testing. Allele origin: germline. Affected: yes.
Comment: Not observed at significant frequency in large population cohorts (gnomAD); In silico analysis supports that this missense variant has a deleterious effect on protein structure/function; Has not been previously published as pathogenic or benign to our knowledge

NM_000163.5(GHR):c.1718C>T (p.Thr573Ile)

Gene: GHR (growth hormone receptor; plus strand). Cytogenetic location: 5p12.
Variant type: single nucleotide variant.
Coding change: c.1718C>T on transcript NM_000163.5 (MANE Select); coding-DNA position 1718, C replaced by T.
Protein change: p.Thr573Ile; replaces threonine 573 with isoleucine.
Molecular consequence: missense variant. On other transcripts: 3 prime UTR variant (1).
Genome position (GRCh38, 1-based): chr5:42,719,225, C>T. VCF-style: chr5-42719225-C-T. GRCh37 (hg19) VCF-style: chr5-42719327-C-T.
Other names: c.1739C>T, p.Thr580Ile (NM_001242399.2); c.1718C>T, p.Thr573Ile (NM_001242400.2, NM_001242401.4, NM_001242402.2 and 4 more transcripts); c.1652C>T, p.Thr551Ile (NM_001242460.2); c.*760C>T (NM_001242462.1); short protein forms T551I, T573I, T580I.
Identifiers: ClinVar variation 3378216 (VCV003378216.1).
Genomic context (GRCh38, chr5:42,719,225, plus strand): 5'-AATCACACATACAGCCAAGCTTAAACCAAGAGGACATTTACATCACCACAGAAAGCCTTA[C>T]CACTGCTGCTGGGAGGCCTGGGACAGGAGAACATGTTCCAGGTTCTGAGATGCCTGTCCC-3'
Protein context (NP_000154.1, residues 563-583): EDIYITTESL[Thr573Ile]TAAGRPGTGE